The following is an entry in ClinVar:

NM_000321.3(RB1):c.2113del (p.Met705fs)

Gene: RB1 (RB transcriptional corepressor 1; plus strand). Cytogenetic location: 13q14.2.
Variant type: Deletion.
Coding change: c.2113del on transcript NM_000321.3 (MANE Select); coding-DNA position 2113, one base deleted (A; older notation c.2113delA).
Protein change: p.Met705fs; shifts the reading frame from methionine 705.
Molecular consequence: frameshift variant.
Genome position (GRCh38, 1-based): chr13:48,463,737, A deleted. VCF-style (leftmost placement, unchanged base first): chr13-48463736-GA-G. GRCh37 (hg19) VCF-style: chr13-49037872-GA-G.
Other names: c.2113del, p.Met705fs (NM_001407165.1); short protein forms M705fs.
Identifiers: ClinVar variation 3237066 (VCV003237066.1), dbSNP rs2542373517.

ClinVar aggregate classification (germline): Pathogenic (1 of 4 stars; one submission).

Conditions:
Retinoblastoma (RB1). Also called: RETINOBLASTOMA, SOMATIC. Identifiers: Orphanet 790, MedGen C0035335, MeSH D012175, MONDO:0008380, OMIM 180200, HP:0009919. Disease mechanism: loss of function. Inheritance: Both sporadic and heritable forms are tested..

Submission:

Genetic Diagnostic Laboratory, University of Pennsylvania School of Medicine
Classification: Pathogenic for Retinoblastoma. Last evaluated: 2024-05-20. Review status: criteria provided, single submitter. Criteria: ACMG Guidelines, 2015. Collection method: clinical testing. Allele origin: germline. Affected: yes. Observed: 1 variant allele.
Comment: Case and Pedigree Information: BILATERAL CASES:1, UNILATERAL CASES:0, TOTAL CASES:1, PEDIGREES:1. ACMG Codes Applied:PVS1, PM2